The following is an entry in ClinVar:

ClinVar aggregate classification (germline): Uncertain significance. Review status: criteria provided, multiple submitters, no conflicts (2 of 4 stars). 2 submissions from 2 submitters: Uncertain significance (2). Last evaluated 2025-01-23.

gnomAD v4.1: 13 of 1,587,686 alleles (0.00082%); highest among the groups gnomAD compares: South Asian, 0.0011%; no homozygotes.

Submissions (2):

Labcorp Genetics (formerly Invitae), Labcorp
Classification: Uncertain significance. Last evaluated: 2025-01-23. Review status: criteria provided, single submitter. Criteria: Invitae Variant Classification Sherloc (09022015). Collection method: clinical testing. Allele origin: germline.
Comment: This sequence change creates a premature translational stop signal (p.Trp336*) in the PCYT1A gene. While this is not anticipated to result in nonsense mediated decay, it is expected to disrupt the last 32 amino acid(s) of the PCYT1A protein. This variant is present in population databases (rs751579909, gnomAD 0.004%). This variant has not been reported in the literature in individuals affected with PCYT1A-related conditions. Experimental studies and prediction algorithms are not available or were not evaluated, and the functional significance of this variant is currently unknown. In summary, the available evidence is currently insufficient to determine the role of this variant in disease. Therefore, it has been classified as a Variant of Uncertain Significance.

Blueprint Genetics
Classification: Uncertain significance. Last evaluated: 2020-02-24. Review status: criteria provided, single submitter. Criteria: ACMG Guidelines, 2015. Collection method: clinical testing. Allele origin: germline.

NM_001312673.2(PCYT1A):c.1008G>A (p.Trp336Ter)

Gene: PCYT1A (phosphate cytidylyltransferase 1A, choline; minus strand). Cytogenetic location: 3q29.
Variant type: single nucleotide variant.
Coding change: c.1008G>A on transcript NM_001312673.2 (MANE Select); coding-DNA position 1008, G replaced by A.
Protein change: p.Trp336Ter; replaces tryptophan 336 with a stop codon.
Molecular consequence: nonsense.
Genome position (GRCh38, 1-based): chr3:196,238,784, C>T on the plus strand (G>A on the coding strand, the complement: PCYT1A is on the minus strand). VCF-style: chr3-196238784-C-T. GRCh37 (hg19) VCF-style: chr3-195965655-C-T.
Other names: c.1008G>A, p.Trp336Ter (NM_005017.4); short protein forms W336*.
Identifiers: ClinVar variation 3615776 (VCV003615776.2).